The following is an entry in ClinVar:

NM_001351132.2(PEX5):c.552G>A (p.Trp184Ter)

Gene: PEX5 (peroxisomal biogenesis factor 5; plus strand). Cytogenetic location: 12p13.31.
Variant type: single nucleotide variant.
Coding change: c.552G>A on transcript NM_001351132.2 (MANE Select); coding-DNA position 552, G replaced by A.
Protein change: p.Trp184Ter; replaces tryptophan 184 with a stop codon.
Molecular consequence: nonsense.
Genome position (GRCh38, 1-based): chr12:7,201,751, G>A. VCF-style: chr12-7201751-G-A. GRCh37 (hg19) VCF-style: chr12-7354347-G-A.
Other names: c.552G>A, p.Trp184Ter (NM_000319.5, NM_001131024.2, NM_001131025.2 and 19 more transcripts); c.597G>A, p.Trp199Ter (NM_001131023.2, NM_001351135.3, NM_001351138.2); short protein forms W184*, W199*.
Identifiers: ClinVar variation 1699160 (VCV001699160.8), dbSNP rs1419213790, ClinGen allele CA383721040.

ClinVar aggregate classification (germline): Pathogenic/Likely pathogenic. Review status: criteria provided, multiple submitters, no conflicts (2 of 4 stars). 4 submissions from 4 submitters: Pathogenic (2); Likely pathogenic (2). Last evaluated 2024-01-31.

Conditions:
PEX5-related disorder. Also called: PEX5-related condition; PEX5-Related Disorders.
Peroxisome biogenesis disorder 2A (Zellweger) (PBD2A). Also called: Cerebrohepatorenal syndrome, variant types. Identifiers: Orphanet 912, MedGen C3550273, MONDO:0008954, OMIM 214110.
Rhizomelic chondrodysplasia punctata type 5 (RCDP5). Identifiers: Orphanet 468717, MedGen C4225237, MONDO:0014743, OMIM 616716.
Peroxisome biogenesis disorder 2B (PBD2B). Identifiers: Orphanet 44, MedGen C3550234, MONDO:0008736, OMIM 202370.

Allele frequency attached by ClinVar (database versions not stated): gnomAD exomes 0.00001.
gnomAD v4.1: 3 of 1,610,766 alleles (0.00019%); highest among the groups gnomAD compares: Middle Eastern, 0.017%; no homozygotes.

Submissions (4):

Fulgent Genetics
Classification: Likely pathogenic for Peroxisome biogenesis disorder 2B; Peroxisome biogenesis disorder 2A (Zellweger); Rhizomelic chondrodysplasia punctata type 5. Last evaluated: 2024-01-31. Review status: criteria provided, single submitter. Criteria: ACMG Guidelines, 2015. Collection method: clinical testing. Allele origin: germline.

Blueprint Genetics
Classification: Likely pathogenic for PEX5-related disorders. Last evaluated: 2024-01-12. Review status: criteria provided, single submitter. Criteria: ACMG Guidelines, 2015. Collection method: clinical testing. Allele origin: germline. Affected: yes. Observed: 1 variant allele.

Victorian Clinical Genetics Services, Murdoch Childrens Research Institute
Classification: Pathogenic for Peroxisome biogenesis disorder 2B. Last evaluated: 2023-07-16. Review status: criteria provided, single submitter. Criteria: ACMG Guidelines, 2015. Collection method: clinical testing. Allele origin: germline. Inheritance: Autosomal recessive inheritance. Affected: yes.
Comment: Based on the classification scheme VCGS_Germline_v1.3.4, this variant is classified as Pathogenic. Following criteria are met: 0102 - Loss of function is a known mechanism of disease in this gene and is associated with peroxisome biogenesis disorder 2A (Zellweger) (MIM#214110) and 2B (MIM# 202370). (I) 0106 - This gene is associated with autosomal recessive disease. (I) 0201 - Variant is predicted to cause nonsense-mediated decay (NMD) and loss of protein (premature termination codon is located at least 54 nucleotides upstream of the final exon-exon junction). (SP) 0252 - This variant is homozygous. (I) 0301 - Variant is absent from gnomAD (both v2 and v3). (SP) 0701 - Other null variants comparable to the one identified in this case have very strong previous evidence for pathogenicity. There are at least ten NMD-predicted variants that have been classified as likely pathogenic or pathogenic (DECIPHER). (SP) 0807 - This variant has no previous evidence of pathogenicity. (I) 0905 - No published segregation evidence has been identified for this variant. (I) 1007 - No published functional evidence has been identified for this variant. (I) Legend: (SP) - Supporting pathogenic, (I) - Information, (SB) - Supporting benign

Labcorp Genetics (formerly Invitae), Labcorp
Classification: Pathogenic for Peroxisome biogenesis disorder 2B. Last evaluated: 2023-06-02. Review status: criteria provided, single submitter. Criteria: Invitae Variant Classification Sherloc (09022015). Collection method: clinical testing. Allele origin: germline.
Comment: This sequence change creates a premature translational stop signal (p.Trp184*) in the PEX5 gene. It is expected to result in an absent or disrupted protein product. Loss-of-function variants in PEX5 are known to be pathogenic (PMID: 18712838, 21031596). This variant is not present in population databases (gnomAD no frequency). This variant has not been reported in the literature in individuals affected with PEX5-related conditions. ClinVar contains an entry for this variant (Variation ID: 1699160). For these reasons, this variant has been classified as Pathogenic.

Literature cited by the submitters: PubMed 18712838 (cited by Labcorp Genetics (formerly Invitae), Labcorp); PubMed 21031596 (cited by Labcorp Genetics (formerly Invitae), Labcorp).